The following is an entry in ClinVar:

ClinVar aggregate classification (germline): Conflicting classifications of pathogenicity. Review status: criteria provided, conflicting classifications (1 of 4 stars). 4 submissions from 4 submitters: Uncertain significance (1); Likely benign (2). 1 of the submissions does not count toward it. Last evaluated 2026-02-02.

Conditions:
TH-deficient dopa-responsive dystonia. Also called: Tyrosine Hydroxylase-Deficient Dopa-Responsive Dystonia; DYT-TH; Segawa syndrome, autosomal recessive. Identifiers: Orphanet 101150, MedGen C2673535, MONDO:0011551, OMIM 605407.

Allele frequency attached by ClinVar (database versions not stated): ESP Exome Variant Server 0.00015; gnomAD 0.00015 and 0.00016; TOPMed 0.00014.
gnomAD v4.1: 436 of 1,611,380 alleles (0.027%); highest among the groups gnomAD compares: Non-Finnish European, 0.035%; no homozygotes.

Submissions (4):

Labcorp Genetics (formerly Invitae), Labcorp
Classification: Likely benign for TH-deficient dopa-responsive dystonia. Last evaluated: 2026-02-02. Review status: criteria provided, single submitter. Criteria: Invitae Variant Classification Sherloc (09022015). Collection method: clinical testing. Allele origin: germline.

GeneDx
Classification: Likely benign. Last evaluated: 2020-03-24. Review status: criteria provided, single submitter. Criteria: GeneDx Variant Classification Process June 2021. Collection method: clinical testing. Allele origin: germline. Affected: yes.

Fulgent Genetics
Classification: Uncertain significance for TH-deficient dopa-responsive dystonia. Last evaluated: 2018-10-31. Review status: criteria provided, single submitter. Criteria: ACMG Guidelines, 2015. Collection method: clinical testing. Allele origin: unknown.

Natera, Inc.
Classification: Uncertain significance for Autosomal recessive Segawa syndrome. Last evaluated: 2020-04-12. Review status: no assertion criteria provided. Collection method: clinical testing. Allele origin: germline. Not counted in ClinVar's aggregate classification.

NM_000360.4(TH):c.585G>A (p.Ser195=)

Gene: TH (tyrosine hydroxylase; minus strand). Cytogenetic location: 11p15.5.
Variant type: single nucleotide variant.
Coding change: c.585G>A on transcript NM_000360.4 (MANE Select); coding-DNA position 585, G replaced by A.
Protein change: p.Ser195=; no amino-acid change (serine 195 retained).
Molecular consequence: synonymous variant.
Genome position (GRCh38, 1-based): chr11:2,167,925, C>T on the plus strand (G>A on the coding strand, the complement: TH is on the minus strand). VCF-style: chr11-2167925-C-T. GRCh37 (hg19) VCF-style: chr11-2189155-C-T.
Other names: c.678G>A, p.Ser226= (NM_199292.3); c.666G>A, p.Ser222= (NM_199293.3).
Identifiers: ClinVar variation 581934 (VCV000581934.13), dbSNP rs376615793, ClinGen allele CA5818583.